The following is an entry in ClinVar:

ClinVar aggregate classification (germline): Uncertain significance (1 of 4 stars; one submission).

Submission:

GeneDx
Classification: Uncertain significance. Last evaluated: 2026-09-03. Review status: criteria provided, single submitter. Criteria: GeneDx Variant Classification Process June 2021. Collection method: clinical testing. Allele origin: germline.
Comment: Not observed at significant frequency in large population cohorts (gnomAD); In silico analysis supports that this missense variant has a deleterious effect on protein structure/function; Has not been previously published as pathogenic or benign to our knowledge

NM_001792.5(CDH2):c.1922T>G (p.Leu641Arg)

Gene: CDH2 (cadherin 2; minus strand). Cytogenetic location: 18q12.1.
Variant type: single nucleotide variant.
Coding change: c.1922T>G on transcript NM_001792.5 (MANE Select); coding-DNA position 1922, T replaced by G.
Protein change: p.Leu641Arg; replaces leucine 641 with arginine.
Molecular consequence: missense variant.
Genome position (GRCh38, 1-based): chr18:27,985,581, A>C on the plus strand (T>G on the coding strand, the complement: CDH2 is on the minus strand). VCF-style: chr18-27985581-A-C. GRCh37 (hg19) VCF-style: chr18-25565545-A-C.
Other names: c.1829T>G, p.Leu610Arg (NM_001308176.2); short protein forms L610R, L641R.
Identifiers: ClinVar variation 3343368 (VCV003343368.2).
Genomic context (GRCh38, chr18:27,985,581, plus strand): 5'-TTCTTACCATTAAGCCGAGTGATGGTCCAATTTCTCTTAATAGTCACTGGAGATAAAGGA[A>C]GATCAAAAGCAAATGGTCCAGCATTTGGATCAATGTCATAATCAAGTGCTGTAATATTAA-3'
Protein context (NP_001783.2, residues 631-651): DPNAGPFAFD[Leu641Arg]PLSPVTIKRN